The following is an entry in ClinVar:

ClinVar aggregate classification (germline): Likely benign (1 of 4 stars; one submission).

Allele frequency attached by ClinVar (database versions not stated): ExAC 0.00011; ESP Exome Variant Server 0.00016; gnomAD 0.00017; TOPMed 0.00017; gnomAD exomes 0.00018.
gnomAD v4.1: 307 of 1,614,062 alleles (0.019%); highest among the groups gnomAD compares: Middle Eastern, 0.033%; no homozygotes.

Submission:

CeGaT Center for Human Genetics Tuebingen
Classification: Likely benign. Last evaluated: 2025-08-01. Review status: criteria provided, single submitter. Criteria: CeGaT Center For Human Genetics Tuebingen Variant Classification Criteria Version 2. Collection method: clinical testing. Allele origin: germline. Affected: yes. Observed: 2 variant alleles.
Comment: ADAM22: BP4, BP7

NM_001324418.2(ADAM22):c.106C>T (p.Leu36=)

Gene: ADAM22 (ADAM metallopeptidase domain 22; plus strand). Cytogenetic location: 7q21.12.
Variant type: single nucleotide variant.
Coding change: c.106C>T on transcript NM_001324418.2 (MANE Select); coding-DNA position 106, C replaced by T.
Protein change: p.Leu36=; no amino-acid change (leucine 36 retained).
Molecular consequence: synonymous variant.
Genome position (GRCh38, 1-based): chr7:87,935,046, C>T. VCF-style: chr7-87935046-C-T. GRCh37 (hg19) VCF-style: chr7-87564361-C-T.
Other names: c.103C>T, p.Leu35= (NM_001324417.2, NM_001324419.2, NM_001391978.1 and 2 more transcripts); c.106C>T, p.Leu36= (NM_001324420.2, NM_001324421.2, NM_001391975.1 and 9 more transcripts).
Identifiers: ClinVar variation 2571281 (VCV002571281.27), dbSNP rs199723886, ClinGen allele CA4330079.